The following is an entry in ClinVar:

ClinVar aggregate classification (germline): Uncertain significance (1 of 4 stars; one submission).

Conditions:
Perlman syndrome (PRLMNS). Identifiers: Orphanet 2849, MedGen C0796113, MONDO:0009965, OMIM 267000.

Allele frequency attached by ClinVar (database versions not stated): gnomAD exomes below 0.00001.
gnomAD v4.1: 2 of 1,611,972 alleles (0.00012%); highest among the groups gnomAD compares: South Asian, 0.0011%; no homozygotes.

Submission:

Labcorp Genetics (formerly Invitae), Labcorp
Classification: Uncertain significance for Perlman syndrome. Last evaluated: 2023-08-01. Review status: criteria provided, single submitter. Criteria: Invitae Variant Classification Sherloc (09022015). Collection method: clinical testing. Allele origin: germline.
Comment: Variants that disrupt the consensus splice site are a relatively common cause of aberrant splicing (PMID: 17576681, 9536098). Algorithms developed to predict the effect of sequence changes on RNA splicing suggest that this variant is not likely to affect RNA splicing. In summary, the available evidence is currently insufficient to determine the role of this variant in disease. Therefore, it has been classified as a Variant of Uncertain Significance. This variant has not been reported in the literature in individuals affected with DIS3L2-related conditions. This variant is not present in population databases (gnomAD no frequency). ClinVar contains an entry for this variant (Variation ID: 2185765). This sequence change falls in intron 9 of the DIS3L2 gene. It does not directly change the encoded amino acid sequence of the DIS3L2 protein. It affects a nucleotide within the consensus splice site.

Literature cited by the submitters: PubMed 17576681; PubMed 9536098.

NM_152383.5(DIS3L2):c.1124+6C>T

Gene: DIS3L2 (DIS3 like 3'-5' exoribonuclease 2; plus strand). Cytogenetic location: 2q37.1.
Variant type: single nucleotide variant.
Coding change: c.1124+6C>T on transcript NM_152383.5 (MANE Select); 6 bases into the intron after coding-DNA position 1124, C replaced by T.
Molecular consequence: intron variant.
Genome position (GRCh38, 1-based): chr2:232,163,638, C>T. VCF-style: chr2-232163638-C-T. GRCh37 (hg19) VCF-style: chr2-233028348-C-T.
Other names: c.1124+6C>T (NM_001257281.2).
Identifiers: ClinVar variation 2185765 (VCV002185765.4), dbSNP rs2469895891, ClinGen allele CA2541032301.